The following is an entry in ClinVar:

ClinVar aggregate classification (germline): Uncertain significance. Review status: criteria provided, multiple submitters, no conflicts (2 of 4 stars). 3 submissions from 3 submitters: Uncertain significance (3). Last evaluated 2026-03-12.

Conditions:
Cardiac arrhythmia. Also called: Arrhythmia; Cardiac rhythm disease. Identifiers: MedGen C0003811, MONDO:0007263, HP:0011675.
Long QT syndrome (LQTS). Identifiers: MedGen C0023976, MeSH D008133, MONDO:0002442. Disease mechanism: loss of function. Inheritance: Various modes of inheritance.

Allele frequency attached by ClinVar (database versions not stated): gnomAD exomes below 0.00001; TOPMed 0.00001.
gnomAD v4.1: 5 of 1,560,318 alleles (0.00032%); highest among the groups gnomAD compares: Non-Finnish European, 0.00043%; no homozygotes.

Submissions (3):

GeneDx
Classification: Uncertain significance. Last evaluated: 2026-03-12. Review status: criteria provided, single submitter. Criteria: GeneDx Variant Classification Process June 2021. Collection method: clinical testing. Allele origin: germline.
Comment: Not observed at significant frequency in large population cohorts (gnomAD); In silico analysis suggests that this missense variant does not alter protein structure/function; Has not been previously published as pathogenic or benign to our knowledge

Labcorp Genetics (formerly Invitae), Labcorp
Classification: Uncertain significance for Long QT syndrome. Last evaluated: 2026-01-11. Review status: criteria provided, single submitter. Criteria: Invitae Variant Classification Sherloc (09022015). Collection method: clinical testing. Allele origin: germline.
Comment: This sequence change replaces cysteine, which is neutral and slightly polar, with arginine, which is basic and polar, at codon 1015 of the KCNH2 protein (p.Cys1015Arg). This variant is not present in population databases (gnomAD no frequency). This variant has not been reported in the literature in individuals affected with KCNH2-related conditions. ClinVar contains an entry for this variant (Variation ID: 1463426). An algorithm developed to predict the effect of missense changes on protein structure and function (PolyPhen-2) suggests that this variant is likely to be disruptive. In summary, the available evidence is currently insufficient to determine the role of this variant in disease. Therefore, it has been classified as a Variant of Uncertain Significance.

Color Diagnostics, LLC DBA Color Health
Classification: Uncertain significance for Cardiac arrhythmia. Last evaluated: 2025-06-19. Review status: criteria provided, single submitter. Criteria: ACMG Guidelines, 2015. Collection method: clinical testing. Allele origin: germline.
Comment: This missense variant replaces cysteine with arginine at codon 1015 of the KCNH2 protein. Computational prediction tool is inconclusive regarding the impact of this variant on protein structure and function. To our knowledge, functional studies have not been reported for this variant. This variant has not been reported in individuals affected with KCNH2-related disorders in the literature. This variant has not been identified in the general population by the Genome Aggregation Database (gnomAD). The available evidence is insufficient to determine the role of this variant in disease conclusively. Therefore, this variant is classified as a Variant of Uncertain Significance.

NM_000238.4(KCNH2):c.3043T>C (p.Cys1015Arg)

Gene: KCNH2 (potassium voltage-gated channel subfamily H member 2; minus strand). Cytogenetic location: 7q36.1.
Variant type: single nucleotide variant.
Coding change: c.3043T>C on transcript NM_000238.4 (MANE Select); coding-DNA position 3043, T replaced by C.
Protein change: p.Cys1015Arg; replaces cysteine 1015 with arginine.
Molecular consequence: missense variant.
Genome position (GRCh38, 1-based): chr7:150,947,437, A>G on the plus strand (T>C on the coding strand, the complement: KCNH2 is on the minus strand). VCF-style: chr7-150947437-A-G. GRCh37 (hg19) VCF-style: chr7-150644525-A-G.
Other names: c.2023T>C, p.Cys675Arg (NM_172057.3); c.3043T>C (NM_000238.2); short protein forms C1015R, C675R.
Identifiers: ClinVar variation 1463426 (VCV001463426.9), dbSNP rs1800944925, ClinGen allele CA369852835.